The following is an entry in ClinVar:

NM_006231.4(POLE):c.3076_3096dup (p.Asp1026_Leu1032dup)

Gene: POLE (DNA polymerase epsilon, catalytic subunit; minus strand). Cytogenetic location: 12q24.33.
Variant type: Duplication.
Coding change: c.3076_3096dup on transcript NM_006231.4 (MANE Select); coding-DNA positions 3076 to 3096, 21 bases duplicated (GACTCTGAGCTATTCGAGCTC).
Protein change: p.Asp1026_Leu1032dup.
Molecular consequence: inframe insertion.
Genome position (GRCh38, 1-based): chr12:132,659,474-132,659,494, GAGCTCGAATAGCTCAGAGTC duplicated on the plus strand (GACTCTGAGCTATTCGAGCTC on the coding strand, the reverse complement: POLE is on the minus strand). VCF-style (leftmost placement, unchanged base first): chr12-132659473-T-TGAGCTCGAATAGCTCAGAGTC. GRCh37 (hg19) VCF-style: chr12-133236059-T-TGAGCTCGAATAGCTCAGAGTC.
Other names: c.3076_3096dupGACTCTGAGCTATTCGAGCTC (NM_006231.2).
Identifiers: ClinVar variation 473571 (VCV000473571.13), dbSNP rs1555225690, ClinGen allele CA658658192.

ClinVar aggregate classification (germline): Uncertain significance. Review status: criteria provided, multiple submitters, no conflicts (2 of 4 stars). 2 submissions from 2 submitters: Uncertain significance (2). Last evaluated 2025-10-14.

Conditions:
Hereditary cancer-predisposing syndrome. Also called: Neoplastic Syndromes, Hereditary; Tumor predisposition; Hereditary Cancer Syndrome; Hereditary neoplastic syndrome. Identifiers: Orphanet 140162, MedGen C0027672, MeSH D009386, MONDO:0015356.
Facial dysmorphism-immunodeficiency-livedo-short stature syndrome. Also called: Facial dysmorphism, immunodeficiency, livedo, and short stature; FILS syndrome. Identifiers: Orphanet 352712, MedGen C3554576, MONDO:0014058, OMIM 615139.
Familial colorectal cancer. Identifiers: MedGen CN280943, MONDO:0023113. Disease mechanism: loss of function.

Allele frequency attached by ClinVar (database versions not stated): gnomAD exomes below 0.00001; TOPMed below 0.00001.

Submissions (2):

Labcorp Genetics (formerly Invitae), Labcorp
Classification: Uncertain significance. Last evaluated: 2025-10-14. Review status: criteria provided, single submitter. Criteria: Invitae Variant Classification Sherloc (09022015). Collection method: clinical testing. Allele origin: germline.
Comment: This variant, c.3076_3096dup, results in the insertion of 7 amino acid(s) of the POLE protein (p.Asp1026_Leu1032dup), but otherwise preserves the integrity of the reading frame. This variant is not present in population databases (gnomAD no frequency). This variant has not been reported in the literature in individuals affected with POLE-related conditions. ClinVar contains an entry for this variant (Variation ID: 473571). Experimental studies and prediction algorithms are not available or were not evaluated, and the functional significance of this variant is currently unknown. In summary, the available evidence is currently insufficient to determine the role of this variant in disease. Therefore, it has been classified as a Variant of Uncertain Significance.

Ambry Genetics
Classification: Uncertain significance for Hereditary cancer-predisposing syndrome. Last evaluated: 2024-12-23. Review status: criteria provided, single submitter. Criteria: Ambry Variant Classification Scheme 2023. Collection method: clinical testing. Allele origin: germline.
Comment: The c.3076_3096dup21 variant (also known as p.D1026_L1032dup), located in coding exon 26 of the POLE gene, results from an in-frame duplication of 21 nucleotides at nucleotide positions 3076 to 3096. This results in the duplication of 7 extra residues (DSELFEL) between codons 1026 and 1032. This amino acid region is highly conserved in available vertebrate species. In addition, this alteration is predicted to be deleterious by in silico analysis (Choi Y et al. PLoS ONE. 2012; 7(10):e46688). Based on the available evidence, the clinical significance of this variant remains unclear.